The following is an entry in ClinVar:

ClinVar aggregate classification (germline): Pathogenic (1 of 4 stars; one submission).

Submission:

Labcorp Genetics (formerly Invitae), Labcorp
Classification: Pathogenic. Last evaluated: 2024-02-22. Review status: criteria provided, single submitter. Criteria: Invitae Variant Classification Sherloc (09022015). Collection method: clinical testing. Allele origin: germline.
Comment: This sequence change creates a premature translational stop signal (p.Tyr129*) in the TRMT10A gene. It is expected to result in an absent or disrupted protein product. Loss-of-function variants in TRMT10A are known to be pathogenic (PMID: 24204302, 26535115). This variant is not present in population databases (gnomAD no frequency). This variant has not been reported in the literature in individuals affected with TRMT10A-related conditions. For these reasons, this variant has been classified as Pathogenic.

Literature cited by the submitters: PubMed 24204302; PubMed 26535115.

NM_001134665.3(TRMT10A):c.387C>A (p.Tyr129Ter)

Gene: TRMT10A (tRNA methyltransferase 10A; minus strand). Cytogenetic location: 4q23.
Variant type: single nucleotide variant.
Coding change: c.387C>A on transcript NM_001134665.3 (MANE Select); coding-DNA position 387, C replaced by A.
Protein change: p.Tyr129Ter; replaces tyrosine 129 with a stop codon.
Molecular consequence: nonsense.
Genome position (GRCh38, 1-based): chr4:99,557,378, G>T on the plus strand (C>A on the coding strand, the complement: TRMT10A is on the minus strand). VCF-style: chr4-99557378-G-T. GRCh37 (hg19) VCF-style: chr4-100478535-G-T.
Other names: c.387C>A, p.Tyr129Ter (NM_001134666.3, NM_001375880.1, NM_001375881.1 and 2 more transcripts); short protein forms Y129*.
Identifiers: ClinVar variation 3640410 (VCV003640410.2).